The following is an entry in ClinVar:

ClinVar aggregate classification (germline): Uncertain significance. Review status: criteria provided, multiple submitters, no conflicts (2 of 4 stars). 2 submissions from 2 submitters: Uncertain significance (2). Last evaluated 2024-09-24.

Conditions:
STAT3 gain of function. Identifiers: MedGen C4288261.
Hyper-IgE recurrent infection syndrome 1, autosomal dominant. Also called: JOB SYNDROME; STAT3 Hyper IgE Syndrome; Job's Syndrome; Hyper-IgE recurrent infection syndrome 1; HYPER-IgE SYNDROME 1, AUTOSOMAL DOMINANT, WITH RECURRENT INFECTIONS. Identifiers: Orphanet 2314, MedGen C2936739, MONDO:0007818, OMIM 147060.

Allele frequency attached by ClinVar (database versions not stated): gnomAD exomes below 0.00001; gnomAD 0.00001; TOPMed 0.00001.
gnomAD v4.1: 7 of 1,614,096 alleles (0.00043%); highest among the groups gnomAD compares: Non-Finnish European, 0.00059%; no homozygotes.

Submissions (2):

Labcorp Genetics (formerly Invitae), Labcorp
Classification: Uncertain significance for STAT3 gain of function; Hyper-IgE recurrent infection syndrome 1, autosomal dominant. Last evaluated: 2024-09-24. Review status: criteria provided, single submitter. Criteria: Invitae Variant Classification Sherloc (09022015). Collection method: clinical testing. Allele origin: germline.
Comment: This sequence change replaces methionine, which is neutral and non-polar, with threonine, which is neutral and polar, at codon 586 of the STAT3 protein (p.Met586Thr). This variant is present in population databases (no rsID available, gnomAD 0.007%). This variant has not been reported in the literature in individuals affected with STAT3-related conditions. ClinVar contains an entry for this variant (Variation ID: 1021039). Invitae Evidence Modeling of protein sequence and biophysical properties (such as structural, functional, and spatial information, amino acid conservation, physicochemical variation, residue mobility, and thermodynamic stability) has been performed for this missense variant. However, the output from this modeling did not meet the statistical confidence thresholds required to predict the impact of this variant on STAT3 protein function. In summary, the available evidence is currently insufficient to determine the role of this variant in disease. Therefore, it has been classified as a Variant of Uncertain Significance.

GeneDx
Classification: Uncertain significance. Last evaluated: 2019-08-08. Review status: criteria provided, single submitter. Criteria: GeneDx Variant Classification Process June 2021. Collection method: clinical testing. Allele origin: germline. Affected: yes.
Comment: Not observed at a significant frequency in large population cohorts (Lek et al., 2016); In silico analysis, which includes protein predictors and evolutionary conservation, supports a deleterious effect; Has not been previously published as pathogenic or benign to our knowledge

NM_139276.3(STAT3):c.1757T>C (p.Met586Thr)

Gene: STAT3 (signal transducer and activator of transcription 3; minus strand). Cytogenetic location: 17q21.2.
Variant type: single nucleotide variant.
Coding change: c.1757T>C on transcript NM_139276.3 (MANE Select); coding-DNA position 1757, T replaced by C.
Protein change: p.Met586Thr; replaces methionine 586 with threonine.
Molecular consequence: missense variant.
Genome position (GRCh38, 1-based): chr17:42,323,135, A>G on the plus strand (T>C on the coding strand, the complement: STAT3 is on the minus strand). VCF-style: chr17-42323135-A-G. GRCh37 (hg19) VCF-style: chr17-40475153-A-G.
Other names: c.1757T>C, p.Met586Thr (NM_001369512.1, NM_001369513.1, NM_001369514.1 and 9 more transcripts); c.1673T>C, p.Met558Thr (NM_001384984.1); c.1679T>C, p.Met560Thr (NM_001384985.1); c.1772T>C, p.Met591Thr (NM_001384986.1, NM_001384990.1); c.1736T>C, p.Met579Thr (NM_001384987.1); c.1661T>C, p.Met554Thr (NM_001384989.1); c.1730T>C, p.Met577Thr (NM_001384991.1); c.1697T>C, p.Met566Thr (NM_001384992.1); short protein forms M554T, M558T, M560T, M566T, M577T, M579T, M586T, M591T.
Identifiers: ClinVar variation 1021039 (VCV001021039.10), dbSNP rs1459473021, ClinGen allele CA399583241.